The following is an entry in ClinVar:

ClinVar aggregate classification (germline): Likely benign. Review status: criteria provided, multiple submitters, no conflicts (2 of 4 stars). 4 submissions from 4 submitters: Likely benign (3). 1 of the submissions does not count toward it. Last evaluated 2024-11-25.

Conditions:
Inborn genetic diseases. Identifiers: MedGen C0950123, MeSH D030342.
PAX5-related disorder. Also called: PAX5-related condition.

Allele frequency attached by ClinVar (database versions not stated): ExAC 0.00003; 1000 Genomes Project 30x 0.00016; 1000 Genomes Project 0.00020.
gnomAD v4.1: 27 of 1,611,096 alleles (0.0017%); highest among the groups gnomAD compares: East Asian, 0.043%; no homozygotes.

Submissions (4):

Ambry Genetics
Classification: Likely benign for Inborn genetic diseases. Last evaluated: 2024-11-25. Review status: criteria provided, single submitter. Criteria: Ambry Variant Classification Scheme 2023. Collection method: clinical testing. Allele origin: germline.

Labcorp Genetics (formerly Invitae), Labcorp
Classification: Likely benign. Last evaluated: 2024-03-13. Review status: criteria provided, single submitter. Criteria: Invitae Variant Classification Sherloc (09022015). Collection method: clinical testing. Allele origin: germline.

Blueprint Genetics
Classification: Likely benign. Last evaluated: 2022-07-14. Review status: criteria provided, single submitter. Criteria: ACMG Guidelines, 2015. Collection method: clinical testing. Allele origin: germline.

PreventionGenetics, part of Exact Sciences
Classification: Likely benign for PAX5-related condition. Last evaluated: 2024-04-29. Review status: no assertion criteria provided. Collection method: clinical testing. Allele origin: germline. Not counted in ClinVar's aggregate classification.
Comment: This variant is classified as likely benign based on ACMG/AMP sequence variant interpretation guidelines (Richards et al. 2015 PMID: 25741868, with internal and published modifications).

NM_016734.3(PAX5):c.957C>A (p.Val319=)

Gene: PAX5 (paired box 5; minus strand). Cytogenetic location: 9p13.2.
Variant type: single nucleotide variant.
Coding change: c.957C>A on transcript NM_016734.3 (MANE Select); coding-DNA position 957, C replaced by A.
Protein change: p.Val319=; no amino-acid change (valine 319 retained).
Molecular consequence: synonymous variant. On other transcripts: non-coding transcript variant (2), intron variant (6).
Genome position (GRCh38, 1-based): chr9:36,882,059, G>T on the plus strand (C>A on the coding strand, the complement: PAX5 is on the minus strand). VCF-style: chr9-36882059-G-T. GRCh37 (hg19) VCF-style: chr9-36882056-G-T.
Other names: c.957C>A (NM_016734.2, NM_016734.1); c.957C>A, p.Val319= (NM_001280548.2); c.828C>A, p.Val276= (NM_001280553.2, NM_001280554.2); c.633C>A, p.Val211= (NM_001280556.2); c.586+41296C>A (NM_001280551.2); c.713-35130C>A (NM_001280555.2); c.781-41423C>A (NM_001280550.2); c.781-35130C>A (NM_001280549.2); and 2 more.
Identifiers: ClinVar variation 2172313 (VCV002172313.7), dbSNP rs563606361, ClinGen allele CA5058107.